The following is an entry in ClinVar:

NM_015466.4(PTPN23):c.2614G>A (p.Glu872Lys)

Gene: PTPN23 (protein tyrosine phosphatase non-receptor type 23; plus strand). Cytogenetic location: 3p21.31.
Variant type: single nucleotide variant.
Coding change: c.2614G>A on transcript NM_015466.4 (MANE Select); coding-DNA position 2614, G replaced by A.
Protein change: p.Glu872Lys; replaces glutamic acid 872 with lysine.
Molecular consequence: missense variant.
Genome position (GRCh38, 1-based): chr3:47,410,412, G>A. VCF-style: chr3-47410412-G-A. GRCh37 (hg19) VCF-style: chr3-47451902-G-A.
Other names: c.2236G>A, p.Glu746Lys (NM_001304482.2); short protein forms E746K, E872K.
Identifiers: ClinVar variation 1352890 (VCV001352890.3), dbSNP rs750747764, ClinGen allele CA2366087.

ClinVar aggregate classification (germline): Uncertain significance (1 of 4 stars; one submission).

Allele frequency attached by ClinVar (database versions not stated): gnomAD 0.00001; gnomAD exomes 0.00001 and 0.00002; ExAC 0.00004.

Submission:

Labcorp Genetics (formerly Invitae), Labcorp
Classification: Uncertain significance. Last evaluated: 2021-10-10. Review status: criteria provided, single submitter. Criteria: Invitae Variant Classification Sherloc (09022015). Collection method: clinical testing. Allele origin: germline.
Comment: This sequence change replaces glutamic acid with lysine at codon 872 of the PTPN23 protein (p.Glu872Lys). The glutamic acid residue is weakly conserved and there is a small physicochemical difference between glutamic acid and lysine. This variant is present in population databases (rs750747764, ExAC 0.007%). This variant has not been reported in the literature in individuals affected with PTPN23-related conditions. Algorithms developed to predict the effect of missense changes on protein structure and function are either unavailable or do not agree on the potential impact of this missense change (SIFT: "Tolerated"; PolyPhen-2: "Not Available"; Align-GVGD: "Class C0"). In summary, the available evidence is currently insufficient to determine the role of this variant in disease. Therefore, it has been classified as a Variant of Uncertain Significance.